The following is an entry in ClinVar:

ClinVar aggregate classification (germline): Uncertain significance (1 of 4 stars; one submission).

Submission:

Labcorp Genetics (formerly Invitae), Labcorp
Classification: Uncertain significance. Last evaluated: 2023-09-25. Review status: criteria provided, single submitter. Criteria: Invitae Variant Classification Sherloc (09022015). Collection method: clinical testing. Allele origin: germline.
Comment: This sequence change creates a premature translational stop signal (p.Ser836*) in the HMCN1 gene. It is expected to result in an absent or disrupted protein product. However, the current clinical and genetic evidence is not sufficient to establish whether loss-of-function variants in HMCN1 cause disease. This variant is not present in population databases (gnomAD no frequency). In summary, the available evidence is currently insufficient to determine the role of this variant in disease. Therefore, it has been classified as a Variant of Uncertain Significance. ClinVar contains an entry for this variant (Variation ID: 2087285). This variant has not been reported in the literature in individuals affected with HMCN1-related conditions.

NM_031935.3(HMCN1):c.2507C>A (p.Ser836Ter)

Gene: HMCN1 (hemicentin 1; plus strand). Cytogenetic location: 1q31.1.
Variant type: single nucleotide variant.
Coding change: c.2507C>A on transcript NM_031935.3 (MANE Select); coding-DNA position 2507, C replaced by A.
Protein change: p.Ser836Ter; replaces serine 836 with a stop codon.
Molecular consequence: nonsense.
Genome position (GRCh38, 1-based): chr1:185,977,922, C>A. VCF-style: chr1-185977922-C-A. GRCh37 (hg19) VCF-style: chr1-185947054-C-A.
Other names: short protein forms S836*.
Identifiers: ClinVar variation 2087285 (VCV002087285.4), dbSNP rs2527335436, ClinGen allele CA343883843.